The following is an entry in ClinVar:

ClinVar aggregate classification (germline): Uncertain significance (1 of 4 stars; one submission).

gnomAD v4.1: 1 of 1,604,160 alleles (0.000062%); highest among the groups gnomAD compares: Non-Finnish European, 0.000085%; no homozygotes.

Submission:

GeneDx
Classification: Uncertain significance. Last evaluated: 2025-07-16. Review status: criteria provided, single submitter. Criteria: GeneDx Variant Classification Process June 2021. Collection method: clinical testing. Allele origin: germline. Affected: yes.
Comment: Not observed at significant frequency in large population cohorts (gnomAD); In silico analysis supports a deleterious effect on splicing; Has not been previously published as pathogenic or benign to our knowledge

NM_000718.4(CACNA1B):c.3603+5G>A

Gene: CACNA1B (calcium voltage-gated channel subunit alpha1 B; plus strand). Cytogenetic location: 9q34.3.
Variant type: single nucleotide variant.
Coding change: c.3603+5G>A on transcript NM_000718.4 (MANE Select); 5 bases into the intron after coding-DNA position 3603, G replaced by A.
Molecular consequence: intron variant.
Genome position (GRCh38, 1-based): chr9:138,047,463, G>A. VCF-style: chr9-138047463-G-A. GRCh37 (hg19) VCF-style: chr9-140941915-G-A.
Other names: c.3603+5G>A (NM_001243812.2).
Identifiers: ClinVar variation 4686323 (VCV004686323.1).